The following is an entry in ClinVar:

ClinVar aggregate classification (germline): Uncertain significance (1 of 4 stars; one submission).

Conditions:
Inborn genetic diseases. Identifiers: MedGen C0950123, MeSH D030342.

Submission:

Ambry Genetics
Classification: Uncertain significance for Inborn genetic diseases. Last evaluated: 2022-11-10. Review status: criteria provided, single submitter. Criteria: Ambry Variant Classification Scheme 2023. Collection method: clinical testing. Allele origin: germline.
Comment: The c.1915+3A>C intronic alteration consists of a A to C substitution 3 nucleotides after exon 13 of the GSN gene. Based on insufficient or conflicting evidence, the clinical significance of this alteration remains unclear.

NM_198252.3(GSN):c.1762+3A>C

Gene: GSN (gelsolin; plus strand). Cytogenetic location: 9q33.2.
Variant type: single nucleotide variant.
Coding change: c.1762+3A>C on transcript NM_198252.3 (MANE Select); 3 bases into the intron after coding-DNA position 1762, A replaced by C.
Molecular consequence: intron variant.
Genome position (GRCh38, 1-based): chr9:121,327,485, A>C. VCF-style: chr9-121327485-A-C. GRCh37 (hg19) VCF-style: chr9-124089763-A-C.
Other names: c.1762+3A>C (NM_001353054.1, NM_001353053.1, NM_001353060.2 and 10 more transcripts); c.1795+3A>C (NM_001353064.2, NM_001353066.2, NM_001353073.2 and 13 more transcripts); c.1870+3A>C (NM_001127663.2); c.1834+3A>C (NM_001353076.2); c.1108+3A>C (NM_001353078.2); c.1813+3A>C (NM_001258029.2); c.1786+3A>C (NM_001258030.2); c.1915+3A>C (NM_000177.5).
Identifiers: ClinVar variation 2319857 (VCV002319857.2), dbSNP rs2541261064, ClinGen allele CA2580079566.